The following is an entry in ClinVar:

ClinVar aggregate classification (germline): Uncertain significance. Review status: criteria provided, single submitter (1 of 4 stars). 2 submissions from 2 submitters: Uncertain significance (1). 1 of the submissions does not count toward it. Last evaluated 2023-04-05.

Conditions:
Progressive myoclonic epilepsy type 3. Also called: EPILEPSY, PROGRESSIVE MYOCLONIC, 3, WITHOUT INTRACELLULAR INCLUSIONS; EPILEPSY, PROGRESSIVE MYOCLONIC, 3, WITH OR WITHOUT INTRACELLULAR INCLUSIONS; CEROID LIPOFUSCINOSIS, NEURONAL, 14; KCTD7-Related Progressive Myoclonic Epilepsy. Identifiers: Orphanet 263516, MedGen C2673257, MONDO:0012721, OMIM 611726.
Intellectual disability. Also called: intellectual disabilities; Intellectual developmental disorder; Intellectual functioning disability. Identifiers: MedGen C3714756, MeSH D008607, MONDO:0001071, HP:0001249.

Allele frequency attached by ClinVar (database versions not stated): gnomAD exomes below 0.00001.
gnomAD v4.1: 6 of 1,613,244 alleles (0.00037%); highest among the groups gnomAD compares: East Asian, 0.0022%; no homozygotes.

Submissions (2):

Labcorp Genetics (formerly Invitae), Labcorp
Classification: Uncertain significance for Progressive myoclonic epilepsy type 3. Last evaluated: 2023-04-05. Review status: criteria provided, single submitter. Criteria: Invitae Variant Classification Sherloc (09022015). Collection method: clinical testing. Allele origin: germline.
Comment: Algorithms developed to predict the effect of sequence changes on RNA splicing suggest that this variant may create or strengthen a splice site. This variant is present in population databases (no rsID available, gnomAD 0.0009%). This variant has not been reported in the literature in individuals affected with KCTD7-related conditions. ClinVar contains an entry for this variant (Variation ID: 975569). An algorithm developed to predict the effect of missense changes on protein structure and function (PolyPhen-2) suggests that this variant is likely to be disruptive. This sequence change replaces tyrosine, which is neutral and polar, with cysteine, which is neutral and slightly polar, at codon 282 of the KCTD7 protein (p.Tyr282Cys). In summary, the available evidence is currently insufficient to determine the role of this variant in disease. Therefore, it has been classified as a Variant of Uncertain Significance.

Centre de Biologie Pathologie Génétique, Centre Hospitalier Universitaire de Lille
Classification: Likely benign for Intellectual disability. Last evaluated: 2019-01-01. Review status: no assertion criteria provided. Collection method: clinical testing. Allele origin: inherited. Affected: yes. Not counted in ClinVar's aggregate classification.

NM_153033.5(KCTD7):c.845A>G (p.Tyr282Cys)

Gene: KCTD7 (potassium channel tetramerization domain containing 7; plus strand). Cytogenetic location: 7q11.21.
Variant type: single nucleotide variant.
Coding change: c.845A>G on transcript NM_153033.5 (MANE Select); coding-DNA position 845, A replaced by G.
Protein change: p.Tyr282Cys; replaces tyrosine 282 with cysteine.
Molecular consequence: missense variant.
Genome position (GRCh38, 1-based): chr7:66,639,207, A>G. VCF-style: chr7-66639207-A-G. GRCh37 (hg19) VCF-style: chr7-66104194-A-G.
Other names: c.845A>G, p.Tyr282Cys (NM_001167961.2); short protein forms Y282C.
Identifiers: ClinVar variation 975569 (VCV000975569.8), dbSNP rs1264632322, ClinGen allele CA367697718.